The following is an entry in ClinVar:

NM_001387430.1(SH2B1):c.1153C>T (p.Pro385Ser)

Gene: SH2B1 (SH2B adaptor protein 1; plus strand). Cytogenetic location: 16p11.2.
Variant type: single nucleotide variant.
Coding change: c.1153C>T on transcript NM_001387430.1 (MANE Select); coding-DNA position 1153, C replaced by T.
Protein change: p.Pro385Ser; replaces proline 385 with serine.
Molecular consequence: missense variant.
Genome position (GRCh38, 1-based): chr16:28,869,227, C>T. VCF-style: chr16-28869227-C-T. GRCh37 (hg19) VCF-style: chr16-28880548-C-T.
Other names: c.1153C>T, p.Pro385Ser (NM_001145795.2, NM_001145796.2, NM_001145797.2 and 4 more transcripts); c.145C>T, p.Pro49Ser (NM_001308294.2); short protein forms P385S, P49S.
Identifiers: ClinVar variation 3349018 (VCV003349018.1).

ClinVar aggregate classification (germline): Uncertain significance (0 of 4 stars; one submission).

Conditions:
SH2B1-related disorder. Also called: SH2B1-related condition.

gnomAD v4.1: 9 of 1,614,002 alleles (0.00056%); highest among the groups gnomAD compares: South Asian, 0.0077%; no homozygotes.

Submission:

PreventionGenetics, part of Exact Sciences
Classification: Uncertain significance for SH2B1-related condition. Last evaluated: 2024-01-02. Review status: no assertion criteria provided. Collection method: clinical testing. Allele origin: germline.
Comment: The SH2B1 c.1153C>T variant is predicted to result in the amino acid substitution p.Pro385Ser. To our knowledge, this variant has not been reported in the literature. This variant is reported in 0.00088% of alleles in individuals of European (Non-Finnish) descent in gnomAD. At this time, the clinical significance of this variant is uncertain due to the absence of conclusive functional and genetic evidence.